The following is an entry in ClinVar:

ClinVar aggregate classification (germline): Pathogenic (1 of 4 stars; one submission).

Submission:

Labcorp Genetics (formerly Invitae), Labcorp
Classification: Pathogenic. Last evaluated: 2023-09-21. Review status: criteria provided, single submitter. Criteria: Invitae Variant Classification Sherloc (09022015). Collection method: clinical testing. Allele origin: germline.
Comment: This variant has not been reported in the literature in individuals affected with ANK1-related conditions. For these reasons, this variant has been classified as Pathogenic. This variant is not present in population databases (gnomAD no frequency). This sequence change creates a premature translational stop signal (p.Asn1013Argfs*103) in the ANK1 gene. It is expected to result in an absent or disrupted protein product. Loss-of-function variants in ANK1 are known to be pathogenic (PMID: 8640229).

Literature cited by the submitters: PubMed 8640229.

NM_000037.4(ANK1):c.3037_3038del (p.Asn1013fs)

Gene: ANK1 (ankyrin 1; minus strand). Cytogenetic location: 8p11.21.
Variant type: Deletion.
Coding change: c.3037_3038del on transcript NM_000037.4 (MANE Select); coding-DNA positions 3037 to 3038, 2 bases deleted (AA; older notation c.3037_3038delAA).
Protein change: p.Asn1013fs; shifts the reading frame from asparagine 1013.
Molecular consequence: frameshift variant.
Genome position (GRCh38, 1-based): chr8:41,695,254-41,695,255, TT deleted on the plus strand (AA on the coding strand, the reverse complement: ANK1 is on the minus strand); deleting any 2 consecutive bases within chr8:41,695,254-41,695,257 gives the same sequence; the c. name uses the placement nearest the transcript's 3' end. VCF-style (leftmost placement, unchanged base first): chr8-41695253-GTT-G. GRCh37 (hg19) VCF-style: chr8-41552771-GTT-G.
Other names: c.3160_3161del, p.Asn1054fs (NM_001142446.2); c.3037_3038del, p.Asn1013fs (NM_020475.3, NM_020476.3, NM_020477.3); short protein forms N1013fs, N1054fs.
Identifiers: ClinVar variation 2762523 (VCV002762523.3), dbSNP rs2486776938, ClinGen allele CA2697549877.